The following is an entry in ClinVar:

NM_152703.5(SAMD9L):c.2345T>A (p.Ile782Asn)

Gene: SAMD9L (sterile alpha motif domain containing 9 like; minus strand). Cytogenetic location: 7q21.2.
Variant type: single nucleotide variant.
Coding change: c.2345T>A on transcript NM_152703.5 (MANE Select); coding-DNA position 2345, T replaced by A.
Protein change: p.Ile782Asn; replaces isoleucine 782 with asparagine.
Molecular consequence: missense variant.
Genome position (GRCh38, 1-based): chr7:93,133,627, A>T on the plus strand (T>A on the coding strand, the complement: SAMD9L is on the minus strand). VCF-style: chr7-93133627-A-T. GRCh37 (hg19) VCF-style: chr7-92762940-A-T.
Other names: c.2345T>A, p.Ile782Asn (NM_001303496.3, NM_001303497.3, NM_001303498.3 and 5 more transcripts); c.2345T>A (NM_152703.2); short protein forms I782N.
Identifiers: ClinVar variation 3361054 (VCV003361054.2).
Genomic context (GRCh38, chr7:93,133,627, plus strand): 5'-ACAAGGAGAAGCACAGGAATGTAATCCTGATGGCTCTTTGCCCTATAGGTGACCAGATTG[A>T]TCACTTGCTCTGCAATTTCTGCAAAATCAGTTGTCTTGTTTTTTAACACAGCACATCTGA-3'
Protein context (NP_689916.2, residues 772-792): TDFAEIAEQV[Ile782Asn]NLVTYRAKSH

ClinVar aggregate classification (germline): Uncertain significance. Review status: criteria provided, multiple submitters, no conflicts (2 of 4 stars). 2 submissions from 2 submitters: Uncertain significance (2). Last evaluated 2025-06-13.

Conditions:
Inborn genetic diseases. Identifiers: MedGen C0950123, MeSH D030342.

Submissions (2):

Ambry Genetics
Classification: Uncertain significance for Inborn genetic diseases. Last evaluated: 2025-06-13. Review status: criteria provided, single submitter. Criteria: Ambry Variant Classification Scheme 2023. Collection method: clinical testing. Allele origin: germline.
Comment: The p.I782N variant (also known as c.2345T>A), located in coding exon 1 of the SAMD9L gene, results from a T to A substitution at nucleotide position 2345. The isoleucine at codon 782 is replaced by asparagine, an amino acid with dissimilar properties. This amino acid position is conserved. In addition, this alteration is predicted to be tolerated by in silico analysis. Based on the available evidence, the clinical significance of this variant remains unclear.

GeneDx
Classification: Uncertain significance. Last evaluated: 2023-07-14. Review status: criteria provided, single submitter. Criteria: GeneDx Variant Classification Process June 2021. Collection method: clinical testing. Allele origin: germline. Affected: yes.
Comment: Not observed at significant frequency in large population cohorts (gnomAD); In silico analysis supports that this missense variant does not alter protein structure/function; Has not been previously published as pathogenic or benign to our knowledge; This variant is associated with the following publications: (PMID: 28545555)